The following is an entry in ClinVar:

ClinVar aggregate classification (germline): Likely benign (1 of 4 stars; one submission).

gnomAD v4.1: 5,858 of 1,613,604 alleles (0.36%); highest among the groups gnomAD compares: Admixed American, 0.64%; 30 homozygotes.

Submission:

CeGaT Center for Human Genetics Tuebingen
Classification: Likely benign. Last evaluated: 2024-08-01. Review status: criteria provided, single submitter. Criteria: CeGaT Center For Human Genetics Tuebingen Variant Classification Criteria Version 2. Collection method: clinical testing. Allele origin: germline. Affected: yes. Observed: 1 variant allele.
Comment: ADGRE1: BP4, BP7, BS2

NM_001974.5(ADGRE1):c.1776G>A (p.Ala592=)

Gene: ADGRE1 (adhesion G protein-coupled receptor E1; plus strand). Cytogenetic location: 19p13.2.
Variant type: single nucleotide variant.
Coding change: c.1776G>A on transcript NM_001974.5 (MANE Select); coding-DNA position 1776, G replaced by A.
Protein change: p.Ala592=; no amino-acid change (alanine 592 retained).
Molecular consequence: synonymous variant.
Genome position (GRCh38, 1-based): chr19:6,921,868, G>A. VCF-style: chr19-6921868-G-A. GRCh37 (hg19) VCF-style: chr19-6921879-G-A.
Other names: c.1620G>A, p.Ala540= (NM_001256252.2); c.1776G>A, p.Ala592= (NM_001256253.2); c.1353G>A, p.Ala451= (NM_001256254.2); c.1245G>A, p.Ala415= (NM_001256255.2).
Identifiers: ClinVar variation 3341546 (VCV003341546.16).